The following is an entry in ClinVar:

NM_020461.4(TUBGCP6):c.4700A>C (p.Gln1567Pro)

Gene: TUBGCP6 (tubulin gamma complex component 6; minus strand). Cytogenetic location: 22q13.33.
Variant type: single nucleotide variant.
Coding change: c.4700A>C on transcript NM_020461.4 (MANE Select); coding-DNA position 4700, A replaced by C.
Protein change: p.Gln1567Pro; replaces glutamine 1567 with proline.
Molecular consequence: missense variant.
Genome position (GRCh38, 1-based): chr22:50,218,824, T>G on the plus strand (A>C on the coding strand, the complement: TUBGCP6 is on the minus strand). VCF-style: chr22-50218824-T-G. GRCh37 (hg19) VCF-style: chr22-50657253-T-G.
Other names: short protein forms Q1567P.
Identifiers: ClinVar variation 933262 (VCV000933262.10), dbSNP rs149368919, ClinGen allele CA412168866.

ClinVar aggregate classification (germline): Conflicting classifications of pathogenicity. Review status: criteria provided, conflicting classifications (1 of 4 stars). 2 submissions from 2 submitters: Likely pathogenic (1); Uncertain significance (1). Last evaluated 2022-05-13.

Conditions:
TUBGCP6-related disorder. Also called: TUBGCP6-related condition.

gnomAD v4.1: 1 of 1,614,120 alleles (0.000062%); highest among the groups gnomAD compares: Non-Finnish European, 0.000085%; no homozygotes.

Submissions (2):

Blueprint Genetics
Classification: Likely pathogenic for TUBGCP6-related disorders. Last evaluated: 2022-05-13. Review status: criteria provided, single submitter. Criteria: ACMG Guidelines, 2015. Collection method: clinical testing. Allele origin: germline. Affected: yes. Observed: 3 variant alleles.

Labcorp Genetics (formerly Invitae), Labcorp
Classification: Uncertain significance. Last evaluated: 2019-09-04. Review status: criteria provided, single submitter. Criteria: Invitae Variant Classification Sherloc (09022015). Collection method: clinical testing. Allele origin: germline.
Comment: In summary, the available evidence is currently insufficient to determine the role of this variant in disease. Therefore, it has been classified as a Variant of Uncertain Significance. Algorithms developed to predict the effect of missense changes on protein structure and function are either unavailable or do not agree on the potential impact of this missense change (SIFT: "Tolerated"; PolyPhen-2: "Probably Damaging"; Align-GVGD: "Class C0"). This variant has not been reported in the literature in individuals with TUBGCP6-related conditions. This variant is not present in population databases (ExAC no frequency). This sequence change replaces glutamine with proline at codon 1567 of the TUBGCP6 protein (p.Gln1567Pro). The glutamine residue is moderately conserved and there is a moderate physicochemical difference between glutamine and proline.